The following is an entry in ClinVar:

ClinVar aggregate classification (germline): Uncertain significance (1 of 4 stars; one submission).

gnomAD v4.1: 1 of 1,614,152 alleles (0.000062%); highest among the groups gnomAD compares: Non-Finnish European, 0.000085%; no homozygotes.

Submission:

GeneDx
Classification: Uncertain significance. Last evaluated: 2024-09-19. Review status: criteria provided, single submitter. Criteria: GeneDx Variant Classification Process June 2021. Collection method: clinical testing. Allele origin: germline. Affected: yes.
Comment: Not observed at significant frequency in large population cohorts (gnomAD); In silico analysis indicates that this missense variant does not alter protein structure/function; Has not been previously published as pathogenic or benign to our knowledge

NM_138615.3(DHX30):c.2711C>G (p.Ser904Cys)

Gene: DHX30 (DExH-box helicase 30; plus strand). Cytogenetic location: 3p21.31.
Variant type: single nucleotide variant.
Coding change: c.2711C>G on transcript NM_138615.3 (MANE Select); coding-DNA position 2711, C replaced by G.
Protein change: p.Ser904Cys; replaces serine 904 with cysteine.
Molecular consequence: missense variant.
Genome position (GRCh38, 1-based): chr3:47,848,759, C>G. VCF-style: chr3-47848759-C-G. GRCh37 (hg19) VCF-style: chr3-47890249-C-G.
Other names: c.2627C>G, p.Ser876Cys (NM_001330990.2); c.2594C>G, p.Ser865Cys (NM_014966.4); short protein forms S865C, S876C, S904C.
Identifiers: ClinVar variation 3774200 (VCV003774200.1).